The following is an entry in ClinVar:

NM_000521.4(HEXB):c.*40A>C

Genes: GFM2 (GTP dependent ribosome recycling factor mitochondrial 2; minus strand), HEXB (hexosaminidase subunit beta; plus strand). Cytogenetic location: 5q13.3.
Variant type: single nucleotide variant.
Coding change: c.*40A>C on transcript NM_000521.4 (MANE Select); 40 bases downstream of the stop codon, A replaced by C.
Molecular consequence: 3 prime UTR variant. On other transcripts: non-coding transcript variant (1).
Genome position (GRCh38, 1-based): chr5:74,721,215, A>C. VCF-style: chr5-74721215-A-C. GRCh37 (hg19) VCF-style: chr5-74017040-A-C.
Other names: c.*40A>C (NM_001292004.2); c.*440T>G (NM_001281302.2, NM_032380.5, NM_170691.3).
Identifiers: ClinVar variation 354139 (VCV000354139.5), dbSNP rs184908092, ClinGen allele CA3306267.

ClinVar aggregate classification (germline): Likely benign (1 of 4 stars; one submission).

Conditions:
Sandhoff disease. Also called: GM2-GANGLIOSIDOSIS, TYPE II; HEXOSAMINIDASES A AND B DEFICIENCY; Beta-hexosaminidase-beta-subunit deficiency; GM2 gangliosidosis, type 2; Total hexosaminidase deficiency; Sandhoff-Jatzkewitz-Pilz disease. Identifiers: Orphanet 796, MedGen C0036161, MONDO:0010006, OMIM 268800.

Allele frequency attached by ClinVar (database versions not stated): gnomAD exomes 0.00035 and 0.00094; 1000 Genomes Project 0.00260; 1000 Genomes Project 30x 0.00265; ExAC 0.00103; ESP Exome Variant Server 0.00315; gnomAD 0.00367 and 0.00397; TOPMed 0.00399.
gnomAD v4.1: 1,025 of 1,426,670 alleles (0.072%); highest among the groups gnomAD compares: African/African-American, 1.3%; 6 homozygotes.

Submission:

Illumina Laboratory Services, Illumina
Classification: Likely benign for Sandhoff disease. Last evaluated: 2018-01-13. Review status: criteria provided, single submitter. Criteria: ICSL Variant Classification Criteria 13 December 2019. Collection method: clinical testing. Allele origin: germline.
Comment: This variant was observed in the ICSL laboratory as part of a predisposition screen in an ostensibly healthy population. It had not been previously curated by ICSL or reported in the Human Gene Mutation Database (HGMD: prior to June 1st, 2018), and was therefore a candidate for classification through an automated scoring system. Utilizing variant allele frequency, disease prevalence and penetrance estimates, and inheritance mode, an automated score was calculated to assess if this variant is too frequent to cause the disease. Based on the score and internal cut-off values, a variant classified as likely benign is not then subjected to further curation. The score for this variant resulted in a classification of likely benign for this disease.